The following is an entry in ClinVar:

ClinVar aggregate classification (germline): Uncertain significance (1 of 4 stars; one submission).

Conditions:
Xanthinuria type II. Also called: Xanthine dehydrogenase and aldehyde oxidase combined deficiency of; XDH and AOX dual deficiency. Identifiers: Orphanet 3467, Orphanet 93602, MedGen C1863688, MONDO:0011346, OMIM 603592.

Allele frequency attached by ClinVar (database versions not stated): ExAC 0.00001.
gnomAD v4.1: 26 of 1,610,630 alleles (0.0016%); highest among the groups gnomAD compares: Non-Finnish European, 0.0021%; no homozygotes.

Submission:

Labcorp Genetics (formerly Invitae), Labcorp
Classification: Uncertain significance for Xanthinuria type II. Last evaluated: 2022-08-19. Review status: criteria provided, single submitter. Criteria: Invitae Variant Classification Sherloc (09022015). Collection method: clinical testing. Allele origin: germline.
Comment: This sequence change replaces histidine, which is basic and polar, with glutamine, which is neutral and polar, at codon 883 of the MOCOS protein (p.His883Gln). This variant is present in population databases (rs746148451, gnomAD 0.003%). This variant has not been reported in the literature in individuals affected with MOCOS-related conditions. Algorithms developed to predict the effect of missense changes on protein structure and function output the following: SIFT: "Tolerated"; PolyPhen-2: "Benign"; Align-GVGD: "Class C0". The glutamine amino acid residue is found in multiple mammalian species, which suggests that this missense change does not adversely affect protein function. In summary, the available evidence is currently insufficient to determine the role of this variant in disease. Therefore, it has been classified as a Variant of Uncertain Significance.

NM_017947.4(MOCOS):c.2649C>A (p.His883Gln)

Gene: MOCOS (molybdenum cofactor sulfurase; plus strand). Cytogenetic location: 18q12.2.
Variant type: single nucleotide variant.
Coding change: c.2649C>A on transcript NM_017947.4 (MANE Select); coding-DNA position 2649, C replaced by A.
Protein change: p.His883Gln; replaces histidine 883 with glutamine.
Molecular consequence: missense variant.
Genome position (GRCh38, 1-based): chr18:36,268,667, C>A. VCF-style: chr18-36268667-C-A. GRCh37 (hg19) VCF-style: chr18-33848630-C-A.
Other names: short protein forms H883Q.
Identifiers: ClinVar variation 1983695 (VCV001983695.1), dbSNP rs746148451, ClinGen allele CA8941119.